The following is an entry in ClinVar:

ClinVar aggregate classification (germline): Likely benign. Review status: criteria provided, multiple submitters, no conflicts (2 of 4 stars). 3 submissions from 3 submitters: Likely benign (3). Last evaluated 2026-05-01.

Allele frequency attached by ClinVar (database versions not stated): ExAC 0.00004; gnomAD exomes 0.00004; TOPMed 0.00005; ESP Exome Variant Server 0.00008.
gnomAD v4.1: 67 of 1,613,942 alleles (0.0042%); highest among the groups gnomAD compares: Middle Eastern, 0.016%; no homozygotes.

Submissions (3):

CeGaT Center for Human Genetics Tuebingen
Classification: Likely benign. Last evaluated: 2026-05-01. Review status: criteria provided, single submitter. Criteria: CeGaT Center For Human Genetics Tuebingen Variant Classification Criteria Version 2. Collection method: clinical testing. Allele origin: germline. Affected: yes. Observed: 1 variant allele.
Comment: KIAA0753: BP4, BP7

Labcorp Genetics (formerly Invitae), Labcorp
Classification: Likely benign. Last evaluated: 2024-10-15. Review status: criteria provided, single submitter. Criteria: Invitae Variant Classification Sherloc (09022015). Collection method: clinical testing. Allele origin: germline.

Blueprint Genetics
Classification: Likely benign. Last evaluated: 2023-01-25. Review status: criteria provided, single submitter. Criteria: ACMG Guidelines, 2015. Collection method: clinical testing. Allele origin: germline.

NM_014804.3(KIAA0753):c.1455C>T (p.Ala485=)

Gene: KIAA0753 (KIAA0753; minus strand). Cytogenetic location: 17p13.1.
Variant type: single nucleotide variant.
Coding change: c.1455C>T on transcript NM_014804.3 (MANE Select); coding-DNA position 1455, C replaced by T.
Protein change: p.Ala485=; no amino-acid change (alanine 485 retained).
Molecular consequence: synonymous variant.
Genome position (GRCh38, 1-based): chr17:6,612,009, G>A on the plus strand (C>T on the coding strand, the complement: KIAA0753 is on the minus strand). VCF-style: chr17-6612009-G-A. GRCh37 (hg19) VCF-style: chr17-6515329-G-A.
Other names: c.558C>T, p.Ala186= (NM_001351225.2).
Identifiers: ClinVar variation 1914282 (VCV001914282.8), dbSNP rs369191681, ClinGen allele CA8330477.